The following is an entry in ClinVar:

ClinVar aggregate classification (germline): Uncertain significance (1 of 4 stars; one submission).

Conditions:
Hereditary cancer-predisposing syndrome. Also called: Neoplastic Syndromes, Hereditary; Tumor predisposition; Hereditary Cancer Syndrome; Hereditary neoplastic syndrome. Identifiers: Orphanet 140162, MedGen C0027672, MeSH D009386, MONDO:0015356.

Submission:

Ambry Genetics
Classification: Uncertain significance for Hereditary cancer-predisposing syndrome. Last evaluated: 2025-09-26. Review status: criteria provided, single submitter. Criteria: Ambry Variant Classification Scheme 2023. Collection method: clinical testing. Allele origin: germline.
Comment: The p.M1825L variant (also known as c.5473A>T), located in coding exon 24 of the DICER1 gene, results from an A to T substitution at nucleotide position 5473. The methionine at codon 1825 is replaced by leucine, an amino acid with highly similar properties. This amino acid position is conserved. In addition, the in silico prediction for this alteration is inconclusive. Based on the available evidence, the clinical significance of this variant remains unclear.

NM_177438.3(DICER1):c.5473A>T (p.Met1825Leu)

Gene: DICER1 (dicer 1, ribonuclease III; minus strand). Cytogenetic location: 14q32.13.
Variant type: single nucleotide variant.
Coding change: c.5473A>T on transcript NM_177438.3 (MANE Select); coding-DNA position 5473, A replaced by T.
Protein change: p.Met1825Leu; replaces methionine 1825 with leucine.
Molecular consequence: missense variant. On other transcripts: non-coding transcript variant (6), intron variant (1).
Genome position (GRCh38, 1-based): chr14:95,091,257, T>A on the plus strand (A>T on the coding strand, the complement: DICER1 is on the minus strand). VCF-style: chr14-95091257-T-A. GRCh37 (hg19) VCF-style: chr14-95557594-T-A.
Other names: c.5473A>T, p.Met1825Leu (NM_001271282.3, NM_001291628.2, NM_001395677.1 and 7 more transcripts); c.5191A>T, p.Met1731Leu (NM_001395686.1); c.5068A>T, p.Met1690Leu (NM_001395687.1, NM_001395688.1, NM_001395689.1 and 1 more transcripts); c.4906A>T, p.Met1636Leu (NM_001395691.1); c.3790A>T, p.Met1264Leu (NM_001395697.1); c.5365-148A>T (NM_001195573.1); short protein forms M1636L, M1690L, M1731L, M1825L, M1264L.
Identifiers: ClinVar variation 4636905 (VCV004636905.1).
Genomic context (GRCh38, chr14:95,091,257, plus strand): 5'-CAATACCTATTAGTGGCCGCATCATGGGATAGTACACCTGCCAGACTGTCTCCAGTGACA[T>A]CCCACTATCCATGTAAATGGCACCAGCAAGCGACTCAAAAATATCCCCCATGGCCTTTGG-3'
Protein context (NP_803187.1, residues 1815-1835): LAGAIYMDSG[Met1825Leu]SLETVWQVYY